The following is an entry in ClinVar:

ClinVar aggregate classification (germline): Uncertain significance (1 of 4 stars; one submission).

Submission:

Ambry Genetics
Classification: Uncertain significance. Last evaluated: 2024-07-23. Review status: criteria provided, single submitter. Criteria: Ambry Variant Classification Scheme 2023. Collection method: clinical testing. Allele origin: germline.
Comment: The p.P1292A variant (also known as c.3874C>G), located in coding exon 8 of the MLH3 gene, results from a C to G substitution at nucleotide position 3874. The proline at codon 1292 is replaced by alanine, an amino acid with highly similar properties. This amino acid position is conserved. In addition, the in silico prediction for this alteration is inconclusive. Based on the available evidence, the clinical significance of this variant remains unclear.

NM_001040108.2(MLH3):c.3874C>G (p.Pro1292Ala)

Gene: MLH3 (mutL homolog 3; minus strand). Cytogenetic location: 14q24.3.
Variant type: single nucleotide variant.
Coding change: c.3874C>G on transcript NM_001040108.2 (MANE Select); coding-DNA position 3874, C replaced by G.
Protein change: p.Pro1292Ala; replaces proline 1292 with alanine.
Molecular consequence: missense variant.
Genome position (GRCh38, 1-based): chr14:75,030,656, G>C on the plus strand (C>G on the coding strand, the complement: MLH3 is on the minus strand). VCF-style: chr14-75030656-G-C. GRCh37 (hg19) VCF-style: chr14-75497359-G-C.
Other names: c.3802C>G, p.Pro1268Ala (NM_014381.3); short protein forms P1268A, P1292A.
Identifiers: ClinVar variation 3396668 (VCV003396668.1).